The following is an entry in ClinVar:

ClinVar aggregate classification (germline): Pathogenic (1 of 4 stars; one submission).

Conditions:
Long QT syndrome (LQTS). Identifiers: MedGen C0023976, MeSH D008133, MONDO:0002442. Disease mechanism: loss of function. Inheritance: Various modes of inheritance.

Submission:

Labcorp Genetics (formerly Invitae), Labcorp
Classification: Pathogenic for Long QT syndrome. Last evaluated: 2022-08-31. Review status: criteria provided, single submitter. Criteria: Invitae Variant Classification Sherloc (09022015). Collection method: clinical testing. Allele origin: germline.
Comment: This sequence change replaces glycine, which is neutral and non-polar, with cysteine, which is neutral and slightly polar, at codon 657 of the KCNH2 protein (p.Gly657Cys). For these reasons, this variant has been classified as Pathogenic. This variant disrupts the p.Gly657 amino acid residue in KCNH2. Other variant(s) that disrupt this residue have been determined to be pathogenic (PMID: 17823114, 19716085, 26958806; Invitae). This suggests that this residue is clinically significant, and that variants that disrupt this residue are likely to be disease-causing. Experimental studies have shown that this missense change affects KCNH2 function (PMID: 18955593). Algorithms developed to predict the effect of variants on protein structure and function are not available or were not evaluated for this variant. ClinVar contains an entry for this variant (Variation ID: 943187). This missense change has been observed in individuals with Long QT syndrome (PMID: 19862833, 26675252; Invitae). It has also been observed to segregate with disease in related individuals. Information on the frequency of this variant in the gnomAD database is not available, as this variant may be reported differently in the database.

Literature cited by the submitters: PubMed 17823114; PubMed 19716085; PubMed 26958806; PubMed 18955593; PubMed 19862833; PubMed 26675252.

NM_000238.4(KCNH2):c.1968_1969delinsTT (p.Gly657Cys)

Gene: KCNH2 (potassium voltage-gated channel subfamily H member 2; minus strand). Cytogenetic location: 7q36.1.
Variant type: Indel.
Coding change: c.1968_1969delinsTT on transcript NM_000238.4 (MANE Select); coding-DNA positions 1968 to 1969, CG replaced by TT.
Protein change: p.Gly657Cys; replaces glycine 657 with cysteine.
Molecular consequence: missense variant.
Genome position (GRCh38, 1-based): chr7:150,951,097-150,951,098, CG replaced by AA on the plus strand (CG replaced by TT on the coding strand, the reverse complement: KCNH2 is on the minus strand). VCF-style: chr7-150951097-CG-AA. GRCh37 (hg19) VCF-style: chr7-150648185-CG-AA.
Other names: c.1968_1969delCGinsTT, p.Gly657Cys (NM_000238.3, NM_172056.3); c.948_949delinsTT, p.Gly317Cys (NM_001204798.2, NM_172057.3); c.1680_1681delCGinsTT, p.Gly561Cys (NM_001406753.1, NM_001406756.1); c.1791_1792delCGinsTT, p.Gly598Cys (NM_001406755.1); c.1668_1669delCGinsTT, p.Gly557Cys (NM_001406757.1); short protein forms G657C, G317C, G561C, G598C, G557C.
Identifiers: ClinVar variation 943187 (VCV000943187.10), dbSNP rs1801136288, ClinGen allele CA1139660307.
Genomic context (GRCh38, chr7:150,951,097, plus strand): 5'-TCTGTGTGTGGTAGCGGGCTGTGCCCGAGTACAGCCGCTGGATGATGGCCGACACGTTGC[CG>AA]AAGATGCTAGCATACATGAGGGCTGGGGGCGTGGGCACGTGGGGCCGTCAGCCTCTGCAG-3'
Protein context (NP_000229.1, residues 647-667): IGSLMYASIF[Gly657Cys]NVSAIIQRLY